The following is an entry in ClinVar:

NC_000019.9:g.(?_13001426)_(13004353_?)del

Gene: GCDH (glutaryl-CoA dehydrogenase; plus strand). Cytogenetic location: 19p13.2.
Variant type: Deletion.
Identifiers: ClinVar variation 1459658 (VCV001459658.7).

ClinVar aggregate classification (germline): Pathogenic (1 of 4 stars; one submission).

Conditions:
Glutaric aciduria, type 1. Also called: Glutaryl-CoA dehydrogenase deficiency; Glutaric acidemia type I; Glutaricacidemia Type 1; Glutaric Acidemia Type 1; GA I; Glutaricaciduria, type I. Identifiers: Orphanet 25, MedGen C0268595, MONDO:0009281, OMIM 231670.

Submission:

Labcorp Genetics (formerly Invitae), Labcorp
Classification: Pathogenic for Glutaric aciduria, type 1. Last evaluated: 2021-02-24. Review status: criteria provided, single submitter. Criteria: Invitae Variant Classification Sherloc (09022015). Collection method: clinical testing. Allele origin: germline.
Comment: For these reasons, this variant has been classified as Pathogenic. This variant has not been reported in the literature in individuals with GCDH-related conditions. This variant results in the deletion of exon(s) 1-5 and part of exon 6 (c.-625_392del) of the GCDH gene. It is expected to result in an absent or disrupted protein product. Loss-of-function variants in GCDH are known to be pathogenic (PMID: 10699052, 11854167, 16602100).

Literature cited by the submitters: PubMed 10699052; PubMed 11854167; PubMed 16602100.